The following is an entry in ClinVar:

ClinVar aggregate classification (germline): Uncertain significance (1 of 4 stars; one submission).

Conditions:
Ullrich congenital muscular dystrophy 2 (UCMD2). Identifiers: Orphanet 75840, MedGen C4225314, MONDO:0014654, OMIM 616470.
Bethlem myopathy 2 (BTHLM2). Identifiers: Orphanet 536516, Orphanet 610, MedGen C4225313, MONDO:0034022, OMIM 616471.

gnomAD v4.1: 10 of 1,608,444 alleles (0.00062%); highest among the groups gnomAD compares: Admixed American, 0.017%; no homozygotes.

Submission:

Labcorp Genetics (formerly Invitae), Labcorp
Classification: Uncertain significance for Bethlem myopathy 2; Ullrich congenital muscular dystrophy 2. Last evaluated: 2024-06-04. Review status: criteria provided, single submitter. Criteria: Invitae Variant Classification Sherloc (09022015). Collection method: clinical testing. Allele origin: germline.
Comment: This sequence change replaces aspartic acid, which is acidic and polar, with glycine, which is neutral and non-polar, at codon 2315 of the COL12A1 protein (p.Asp2315Gly). This variant is present in population databases (no rsID available, gnomAD 0.01%). This variant has not been reported in the literature in individuals affected with COL12A1-related conditions. An algorithm developed to predict the effect of missense changes on protein structure and function (PolyPhen-2) suggests that this variant is likely to be tolerated. In summary, the available evidence is currently insufficient to determine the role of this variant in disease. Therefore, it has been classified as a Variant of Uncertain Significance.

NM_004370.6(COL12A1):c.6944A>G (p.Asp2315Gly)

Gene: COL12A1 (collagen type XII alpha 1 chain; minus strand). Cytogenetic location: 6q13.
Variant type: single nucleotide variant.
Coding change: c.6944A>G on transcript NM_004370.6 (MANE Select); coding-DNA position 6944, A replaced by G.
Protein change: p.Asp2315Gly; replaces aspartic acid 2315 with glycine.
Molecular consequence: missense variant.
Genome position (GRCh38, 1-based): chr6:75,123,332, T>C on the plus strand (A>G on the coding strand, the complement: COL12A1 is on the minus strand). VCF-style: chr6-75123332-T-C. GRCh37 (hg19) VCF-style: chr6-75833048-T-C.
Other names: c.6944A>G, p.Asp2315Gly (NM_001424113.1); c.6923A>G, p.Asp2308Gly (NM_001424114.1); c.6671A>G, p.Asp2224Gly (NM_001424115.1); c.3452A>G, p.Asp1151Gly (NM_001424116.1, NM_080645.3); short protein forms D1151G, D2224G, D2308G, D2315G.
Identifiers: ClinVar variation 3754646 (VCV003754646.2).